The following is an entry in ClinVar:

ClinVar aggregate classification (germline): Uncertain significance (1 of 4 stars; one submission).

Submission:

Labcorp Genetics (formerly Invitae), Labcorp
Classification: Uncertain significance. Last evaluated: 2024-12-04. Review status: criteria provided, single submitter. Criteria: Invitae Variant Classification Sherloc (09022015). Collection method: clinical testing. Allele origin: germline.
Comment: This sequence change replaces isoleucine, which is neutral and non-polar, with valine, which is neutral and non-polar, at codon 574 of the LBR protein (p.Ile574Val). This variant is not present in population databases (gnomAD no frequency). This variant has not been reported in the literature in individuals affected with LBR-related conditions. Invitae Evidence Modeling of protein sequence and biophysical properties (such as structural, functional, and spatial information, amino acid conservation, physicochemical variation, residue mobility, and thermodynamic stability) indicates that this missense variant is not expected to disrupt LBR protein function with a negative predictive value of 80%. Algorithms developed to predict the effect of sequence changes on RNA splicing suggest that this variant may disrupt the consensus splice site. In summary, the available evidence is currently insufficient to determine the role of this variant in disease. Therefore, it has been classified as a Variant of Uncertain Significance.

NM_002296.4(LBR):c.1720A>G (p.Ile574Val)

Gene: LBR (lamin B receptor; minus strand). Cytogenetic location: 1q42.12.
Variant type: single nucleotide variant.
Coding change: c.1720A>G on transcript NM_002296.4 (MANE Select); coding-DNA position 1720, A replaced by G.
Protein change: p.Ile574Val; replaces isoleucine 574 with valine.
Molecular consequence: missense variant.
Genome position (GRCh38, 1-based): chr1:225,403,431, T>C on the plus strand (A>G on the coding strand, the complement: LBR is on the minus strand). VCF-style: chr1-225403431-T-C. GRCh37 (hg19) VCF-style: chr1-225591133-T-C.
Other names: c.1720A>G, p.Ile574Val (NM_194442.3); short protein forms I574V.
Identifiers: ClinVar variation 3681316 (VCV003681316.2).